The following is an entry in ClinVar:

ClinVar aggregate classification (germline): Pathogenic (1 of 4 stars; one submission).

Conditions:
Primary ciliary dyskinesia 3. Identifiers: Orphanet 244, MedGen C1837618, MONDO:0012085, OMIM 608644.

Submission:

Myriad Genetics, Inc.
Classification: Pathogenic for Primary ciliary dyskinesia 3. Last evaluated: 2025-01-24. Review status: criteria provided, single submitter. Criteria: Myriad Autosomal Dominant, Autosomal Recessive and X-Linked Classification Criteria (2023). Collection method: clinical testing. Allele origin: unknown.
Comment: NM_001369.2(DNAH5):c.11904_11922dup19(K3975Vfs*6) is expected to be pathogenic in the context of primary ciliary dyskinesia, DNAH5-related. This variant is predicted to lead to an abnormal or absent protein product due to the creation of a premature termination codon in DNAH5, a gene where loss-of-function variants are known to be pathogenic. Please note: this variant was assessed in the context of healthy population screening.

NM_001369.3(DNAH5):c.11904_11922dup (p.Lys3975delinsValGluAsnLeuValTer)

Gene: DNAH5 (dynein axonemal heavy chain 5; minus strand). Cytogenetic location: 5p15.2.
Variant type: Duplication.
Coding change: c.11904_11922dup on transcript NM_001369.3 (MANE Select); coding-DNA positions 11904 to 11922, 19 bases duplicated (GTGGAAAATTTGGTTTGAT).
Protein change: p.Lys3975delinsValGluAsnLeuValTer.
Molecular consequence: nonsense.
Genome position (GRCh38, 1-based): chr5:13,727,618-13,727,636, ATCAAACCAAATTTTCCAC duplicated on the plus strand (GTGGAAAATTTGGTTTGAT on the coding strand, the reverse complement: DNAH5 is on the minus strand); duplicating any 19 consecutive bases within chr5:13,727,618-13,727,638 gives the same sequence; the c. name uses the placement nearest the transcript's 3' end. VCF-style (leftmost placement, unchanged base first): chr5-13727617-T-TATCAAACCAAATTTTCCAC. GRCh37 (hg19) VCF-style: chr5-13727726-T-TATCAAACCAAATTTTCCAC.
Identifiers: ClinVar variation 5014016 (VCV005014016.1).